The following is an entry in ClinVar:

ClinVar aggregate classification (germline): Uncertain significance (1 of 4 stars; one submission).

Submission:

Laboratory for Molecular Medicine, Mass General Brigham Personalized Medicine
Classification: Uncertain significance. Last evaluated: 2016-08-23. Review status: criteria provided, single submitter. Criteria: LMM Criteria. Collection method: clinical testing. Allele origin: germline. Observed: 1 variant allele.
Comment: The p.Ala142Ser variant in RAF1 has not been previously reported in individuals with clinical features of Noonan syndrome or in large population studies. This v ariant is located in the first base of the exon, which is part of the 3? splice region. Computational tools do not suggest an impact to splicing. However, this information is not predictive enough to rule out pathogenicity. In summary, the clinical significance of the p.Ala142Ser variant is uncertain.

NM_002880.4(RAF1):c.424G>T (p.Ala142Ser)

Gene: RAF1 (Raf-1 proto-oncogene, serine/threonine kinase; minus strand). Cytogenetic location: 3p25.2.
Variant type: single nucleotide variant.
Coding change: c.424G>T on transcript NM_002880.4 (MANE Select); coding-DNA position 424, G replaced by T.
Protein change: p.Ala142Ser; replaces alanine 142 with serine.
Molecular consequence: missense variant. On other transcripts: non-coding transcript variant (3).
Genome position (GRCh38, 1-based): chr3:12,608,923, C>A on the plus strand (G>T on the coding strand, the complement: RAF1 is on the minus strand). VCF-style: chr3-12608923-C-A. GRCh37 (hg19) VCF-style: chr3-12650422-C-A.
Other names: c.424G>T, p.Ala142Ser (NM_001354689.3, NM_001354690.3, NM_001354693.3); c.181G>T, p.Ala61Ser (NM_001354691.3, NM_001354692.3, NM_001354694.3 and 1 more transcripts); short protein forms A142S, A61S.
Identifiers: ClinVar variation 505313 (VCV000505313.5), dbSNP rs1553614748, ClinGen allele CA351517860.